The following is an entry in ClinVar:

NM_000368.5(TSC1):c.3143C>G (p.Pro1048Arg)

Gene: TSC1 (TSC complex subunit 1; minus strand). Cytogenetic location: 9q34.13.
Variant type: single nucleotide variant.
Coding change: c.3143C>G on transcript NM_000368.5 (MANE Select); coding-DNA position 3143, C replaced by G.
Protein change: p.Pro1048Arg; replaces proline 1048 with arginine.
Molecular consequence: missense variant. On other transcripts: non-coding transcript variant (5).
Genome position (GRCh38, 1-based): chr9:132,896,587, G>C on the plus strand (C>G on the coding strand, the complement: TSC1 is on the minus strand). VCF-style: chr9-132896587-G-C. GRCh37 (hg19) VCF-style: chr9-135771974-G-C.
Other names: c.2777C>G, p.Pro926Arg (NM_001406623.1, NM_001406620.1, NM_001406621.1 and 1 more transcripts); c.2738C>G, p.Pro913Arg (NM_001406624.1); c.2189C>G, p.Pro730Arg (NM_001406627.1, NM_001406628.1); c.2090C>G, p.Pro697Arg (NM_001406629.1, NM_001406630.1); c.2735C>G, p.Pro912Arg (NM_001406625.1); c.2192C>G, p.Pro731Arg (NM_001406626.1); c.3140C>G, p.Pro1047Arg (NM_001162426.2, NM_001406597.1, NM_001406598.1 and 2 more transcripts); c.2990C>G, p.Pro997Arg (NM_001162427.2, NM_001406610.1); and 8 more; short protein forms P1042R, P1043R, P927R, P997R, P731R, P913R, P926R, P1034R.
Identifiers: ClinVar variation 2819386 (VCV002819386.4), dbSNP rs1203864892, ClinGen allele CA375367260.

ClinVar aggregate classification (germline): Uncertain significance. Review status: criteria provided, multiple submitters, no conflicts (2 of 4 stars). 2 submissions from 2 submitters: Uncertain significance (2). Last evaluated 2025-12-14.

Conditions:
Hereditary cancer-predisposing syndrome. Also called: Neoplastic Syndromes, Hereditary; Hereditary Cancer Syndrome; Hereditary neoplastic syndrome; Tumor predisposition. Identifiers: Orphanet 140162, MedGen C0027672, MeSH D009386, MONDO:0015356.
Tuberous sclerosis 1 (TSC1). Identifiers: Orphanet 805, MedGen C1854465, MONDO:0008612, OMIM 191100.

Submissions (2):

Ambry Genetics
Classification: Uncertain significance for Hereditary cancer-predisposing syndrome. Last evaluated: 2025-12-14. Review status: criteria provided, single submitter. Criteria: Ambry Variant Classification Scheme 2023. Collection method: clinical testing. Allele origin: germline.
Comment: The p.P1048R variant (also known as c.3143C>G), located in coding exon 21 of the TSC1 gene, results from a C to G substitution at nucleotide position 3143. The proline at codon 1048 is replaced by arginine, an amino acid with dissimilar properties. This amino acid position is conserved. In addition, this alteration is predicted to be deleterious by in silico analysis. Based on the available evidence, the clinical significance of this variant remains unclear.

Labcorp Genetics (formerly Invitae), Labcorp
Classification: Uncertain significance for Tuberous sclerosis 1. Last evaluated: 2022-12-08. Review status: criteria provided, single submitter. Criteria: Invitae Variant Classification Sherloc (09022015). Collection method: clinical testing. Allele origin: germline.
Comment: This variant is not present in population databases (gnomAD no frequency). In summary, the available evidence is currently insufficient to determine the role of this variant in disease. Therefore, it has been classified as a Variant of Uncertain Significance. Advanced modeling of protein sequence and biophysical properties (such as structural, functional, and spatial information, amino acid conservation, physicochemical variation, residue mobility, and thermodynamic stability) performed at Invitae indicates that this missense variant is not expected to disrupt TSC1 protein function. This variant has not been reported in the literature in individuals affected with TSC1-related conditions. This sequence change replaces proline, which is neutral and non-polar, with arginine, which is basic and polar, at codon 1048 of the TSC1 protein (p.Pro1048Arg).